The following is an entry in ClinVar:

ClinVar aggregate classification (germline): Uncertain significance (1 of 4 stars; one submission).

Conditions:
CHARGE syndrome (CHARGE). Also called: Hittner Hirsch Kreh syndrome; CHARGE ASSOCIATION--COLOBOMA, HEART ANOMALY, CHOANAL ATRESIA, RETARDATION, GENITAL AND EAR ANOMALIES; Coloboma, heart anomaly, choanal atresia, retardation, genital and ear anomalies; CHARGE association; Hall-Hittner syndrome. Identifiers: Orphanet 138, MedGen C0265354, MONDO:0008965.

gnomAD v4.1: 5 of 1,610,812 alleles (0.00031%); highest among the groups gnomAD compares: Non-Finnish European, 0.00042%; no homozygotes.

Submission:

Labcorp Genetics (formerly Invitae), Labcorp
Classification: Uncertain significance for CHARGE syndrome. Last evaluated: 2024-09-03. Review status: criteria provided, single submitter. Criteria: Invitae Variant Classification Sherloc (09022015). Collection method: clinical testing. Allele origin: germline.
Comment: This sequence change replaces glutamic acid, which is acidic and polar, with lysine, which is basic and polar, at codon 676 of the SEMA3E protein (p.Glu676Lys). This variant is not present in population databases (gnomAD no frequency). This variant has not been reported in the literature in individuals affected with SEMA3E-related conditions. Invitae Evidence Modeling of protein sequence and biophysical properties (such as structural, functional, and spatial information, amino acid conservation, physicochemical variation, residue mobility, and thermodynamic stability) indicates that this missense variant is not expected to disrupt SEMA3E protein function with a negative predictive value of 80%. In summary, the available evidence is currently insufficient to determine the role of this variant in disease. Therefore, it has been classified as a Variant of Uncertain Significance.

NM_012431.3(SEMA3E):c.2026G>A (p.Glu676Lys)

Gene: SEMA3E (semaphorin 3E; minus strand). Cytogenetic location: 7q21.11.
Variant type: single nucleotide variant.
Coding change: c.2026G>A on transcript NM_012431.3 (MANE Select); coding-DNA position 2026, G replaced by A.
Protein change: p.Glu676Lys; replaces glutamic acid 676 with lysine.
Molecular consequence: missense variant.
Genome position (GRCh38, 1-based): chr7:83,367,888, C>T on the plus strand (G>A on the coding strand, the complement: SEMA3E is on the minus strand). VCF-style: chr7-83367888-C-T. GRCh37 (hg19) VCF-style: chr7-82997204-C-T.
Other names: c.1846G>A, p.Glu616Lys (NM_001178129.2); short protein forms E616K, E676K.
Identifiers: ClinVar variation 3703670 (VCV003703670.2).